The following is an entry in ClinVar:

ClinVar aggregate classification (germline): Uncertain significance (1 of 4 stars; one submission).

Conditions:
Neurofibromatosis, type 2 (SWNV). Also called: BILATERAL ACOUSTIC NEUROFIBROMATOSIS; NF2-Related Schwannomatosis; SCHWANNOMATOSIS, VESTIBULAR. Identifiers: Orphanet 637, MedGen C0027832, MONDO:0007039, OMIM 101000. Disease mechanism: loss of function.

gnomAD v4.1: 1 of 1,614,156 alleles (0.000062%); highest among the groups gnomAD compares: Non-Finnish European, 0.000085%; no homozygotes.

Submission:

Labcorp Genetics (formerly Invitae), Labcorp
Classification: Uncertain significance for Neurofibromatosis, type 2. Last evaluated: 2023-01-02. Review status: criteria provided, single submitter. Criteria: Invitae Variant Classification Sherloc (09022015). Collection method: clinical testing. Allele origin: germline.
Comment: In summary, the available evidence is currently insufficient to determine the role of this variant in disease. Therefore, it has been classified as a Variant of Uncertain Significance. Advanced modeling of protein sequence and biophysical properties (such as structural, functional, and spatial information, amino acid conservation, physicochemical variation, residue mobility, and thermodynamic stability) performed at Invitae indicates that this missense variant is not expected to disrupt NF2 protein function. This variant has not been reported in the literature in individuals affected with NF2-related conditions. This variant is not present in population databases (gnomAD no frequency). This sequence change replaces glutamic acid, which is acidic and polar, with aspartic acid, which is acidic and polar, at codon 112 of the NF2 protein (p.Glu112Asp).

NM_000268.4(NF2):c.336G>T (p.Glu112Asp)

Gene: NF2 (NF2, moesin-ezrin-radixin like (MERLIN) tumor suppressor; plus strand). Cytogenetic location: 22q12.2.
Variant type: single nucleotide variant.
Coding change: c.336G>T on transcript NM_000268.4 (MANE Select); coding-DNA position 336, G replaced by T.
Protein change: p.Glu112Asp; replaces glutamic acid 112 with aspartic acid.
Molecular consequence: missense variant. On other transcripts: 5 prime UTR variant (1), intron variant (8).
Genome position (GRCh38, 1-based): chr22:29,639,185, G>T. VCF-style: chr22-29639185-G-T. GRCh37 (hg19) VCF-style: chr22-30035174-G-T.
Other names: c.222G>T, p.Glu74Asp (NM_001407053.1, NM_001407056.1); c.210G>T, p.Glu70Asp (NM_001407055.1, NM_181828.3); c.336G>T, p.Glu112Asp (NM_001407057.1, NM_001407059.1, NM_001407060.1 and 5 more transcripts); c.-305G>T (NM_001407065.1); c.105G>T, p.Glu35Asp (NM_001407067.1); c.240+2309G>T (NM_001407058.1, NM_181829.3, NM_001407054.1 and 1 more transcripts); c.115-3017G>T (NM_001407063.1, NM_181830.3, NM_001407064.1 and 1 more transcripts); short protein forms E35D, E112D, E70D, E74D.
Identifiers: ClinVar variation 2825999 (VCV002825999.3), dbSNP rs2146872481, ClinGen allele CA411153338.
Genomic context (GRCh38, chr22:29,639,185, plus strand): 5'-CACCTTTCACTTCTTGGCCAAATTTTATCCTGAGAATGCTGAAGAGGAGCTGGTTCAGGA[G>T]ATCACACAACATTTATTCTTCTTACAGGTACATCAGTCAAGGCTACCCCCCAGTTCTGAG-3'
Protein context (NP_000259.1, residues 102-122): PENAEEELVQ[Glu112Asp]ITQHLFFLQV